The following is an entry in ClinVar:

NM_000540.3(RYR1):c.4191G>C (p.Met1397Ile)

Gene: RYR1 (ryanodine receptor 1; plus strand). Cytogenetic location: 19q13.2.
Variant type: single nucleotide variant.
Coding change: c.4191G>C on transcript NM_000540.3 (MANE Select); coding-DNA position 4191, G replaced by C.
Protein change: p.Met1397Ile; replaces methionine 1397 with isoleucine.
Molecular consequence: missense variant.
Genome position (GRCh38, 1-based): chr19:38,475,348, G>C. VCF-style: chr19-38475348-G-C. GRCh37 (hg19) VCF-style: chr19-38965988-G-C.
Other names: c.4191G>C, p.Met1397Ile (NM_001042723.2); short protein forms M1397I.
Identifiers: ClinVar variation 3766187 (VCV003766187.3).
Genomic context (GRCh38, chr19:38,475,348, plus strand): 5'-CTCTCATGGCGCCTCTCCTCCCACTACCAGCTTCTTATTCAAGGCCAAGAAGGTCGCCAT[G>C]ATGACCCAGCCACCGGCCACCCCCACGCTGCCCCGACTCCCTCACGACGTGGTGCCTGCA-3'
Protein context (NP_000531.2, residues 1387-1407): GFLFKAKKVA[Met1397Ile]MTQPPATPTL

ClinVar aggregate classification (germline): Uncertain significance. Review status: criteria provided, multiple submitters, no conflicts (2 of 4 stars). 3 submissions from 3 submitters: Uncertain significance (3). Last evaluated 2025-12-02.

Conditions:
Malignant hyperthermia, susceptibility to, 1 (MHS1). Also called: RYR1-Related Malignant Hyperthermia Susceptibility; Malignant hyperthermia suceptibility 1; Anesthesia related hyperthermia; Malignant hyperpyrexia; Fulminating hyperpyrexia; Pharmacogenic myopathy. Identifiers: Orphanet 423, MedGen C2930980, MONDO:0007783, OMIM 145600.
RYR1-related disorder. Also called: RYR1-related condition; RYR1-related disorders. Identifiers: MedGen CN239331.

Submissions (3):

Labcorp Genetics (formerly Invitae), Labcorp
Classification: Uncertain significance for RYR1-related disorder. Last evaluated: 2025-12-02. Review status: criteria provided, single submitter. Criteria: Invitae Variant Classification Sherloc (09022015). Collection method: clinical testing. Allele origin: germline.
Comment: This sequence change replaces methionine, which is neutral and non-polar, with isoleucine, which is neutral and non-polar, at codon 1397 of the RYR1 protein (p.Met1397Ile). This variant is present in population databases (no rsID available, gnomAD 0.01%). This missense change has been observed in individual(s) with RYR1-related conditions (PMID: 37510298). ClinVar contains an entry for this variant (Variation ID: 3766187). Invitae Evidence Modeling of protein sequence and biophysical properties (such as structural, functional, and spatial information, amino acid conservation, physicochemical variation, residue mobility, and thermodynamic stability) indicates that this missense variant is not expected to disrupt RYR1 protein function with a negative predictive value of 95%. In summary, the available evidence is currently insufficient to determine the role of this variant in disease. Therefore, it has been classified as a Variant of Uncertain Significance.

GeneDx
Classification: Uncertain significance. Last evaluated: 2024-09-01. Review status: criteria provided, single submitter. Criteria: GeneDx Variant Classification Process June 2021. Collection method: clinical testing. Allele origin: germline. Affected: yes.
Comment: Reported in a patient with myalgia and weakness in the published literature (PMID: 37510298); In silico analysis indicates that this missense variant does not alter protein structure/function; Not observed at significant frequency in large population cohorts (gnomAD); This variant is associated with the following publications: (PMID: 37510298)

Color Diagnostics, LLC DBA Color Health
Classification: Uncertain significance for Malignant hyperthermia, susceptibility to, 1. Last evaluated: 2024-04-23. Review status: criteria provided, single submitter. Criteria: ACMG Guidelines, 2015. Collection method: clinical testing. Allele origin: germline.
Comment: This missense variant replaces methionine with isoleucine at codon 1397 of the RYR1 protein. Computational prediction suggests that this variant may not impact protein structure and function. To our knowledge, functional studies have not been reported for this variant. This variant has not been reported in individuals affected with RYR1-related disorders in the literature. This variant has been identified in 3/238844 chromosomes in the general population by the Genome Aggregation Database (gnomAD). The available evidence is insufficient to determine the role of this variant in disease conclusively. Therefore, this variant is classified as a Variant of Uncertain Significance.

Literature cited by the submitters: PubMed 37510298 (cited by Labcorp Genetics (formerly Invitae), Labcorp).